The following is an entry in ClinVar:

ClinVar aggregate classification (germline): Uncertain significance (1 of 4 stars; one submission).

Submission:

Women's Health and Genetics/Laboratory Corporation of America, LabCorp
Classification: Uncertain significance. Last evaluated: 2024-04-30. Review status: criteria provided, single submitter. Criteria: LabCorp Variant Classification Summary - May 2015. Collection method: clinical testing. Allele origin: germline.
Comment: Variant summary: TCOF1 c.2398C>G (p.Pro800Ala) results in a non-conservative amino acid change located in the Treacle protein domain (IPR003993) of the encoded protein sequence. Four of five in-silico tools predict a benign effect of the variant on protein function. The variant was absent in 251406 control chromosomes. The available data on variant occurrences in the general population are insufficient to allow any conclusion about variant significance. To our knowledge, no occurrence of c.2398C>G in individuals affected with Treacher-Collins Syndrome 1 and no experimental evidence demonstrating its impact on protein function have been reported. No submitters have cited clinical-significance assessments for this variant to ClinVar. Based on the evidence outlined above, the variant was classified as uncertain significance.

NM_001371623.1(TCOF1):c.2398C>G (p.Pro800Ala)

Gene: TCOF1 (treacle ribosome biogenesis factor 1; plus strand). Cytogenetic location: 5q32.
Variant type: single nucleotide variant.
Coding change: c.2398C>G on transcript NM_001371623.1 (MANE Select); coding-DNA position 2398, C replaced by G.
Protein change: p.Pro800Ala; replaces proline 800 with alanine.
Molecular consequence: missense variant.
Genome position (GRCh38, 1-based): chr5:150,378,962, C>G. VCF-style: chr5-150378962-C-G. GRCh37 (hg19) VCF-style: chr5-149758525-C-G.
Other names: c.2167C>G, p.Pro723Ala (NM_000356.4, NM_001135245.2); c.2398C>G, p.Pro800Ala (NM_001008657.3, NM_001135243.2, NM_001135244.2 and 1 more transcripts); short protein forms P723A, P800A.
Identifiers: ClinVar variation 3251764 (VCV003251764.1), dbSNP rs754915632.